The following is an entry in ClinVar:

ClinVar aggregate classification (germline): Uncertain significance. Review status: criteria provided, single submitter (1 of 4 stars). 2 submissions from 2 submitters: Uncertain significance (1). 1 of the submissions does not count toward it. Last evaluated 2018-07-05.

Conditions:
SLC10A1-related disorder. Also called: SLC10A1-related condition.

Allele frequency attached by ClinVar (database versions not stated): gnomAD 0.00002 and 0.00003; gnomAD exomes 0.00002 and 0.00005; TOPMed 0.00002; ExAC 0.00004; 1000 Genomes Project 30x 0.00016; 1000 Genomes Project 0.00020.
gnomAD v4.1: 17 of 1,603,232 alleles (0.0011%); highest among the groups gnomAD compares: Admixed American, 0.027%; no homozygotes.

Submissions (2):

Eurofins Ntd Llc (ga)
Classification: Uncertain significance. Last evaluated: 2018-07-05. Review status: criteria provided, single submitter. Criteria: EGL ClinVar v180209 classification definitions. Collection method: clinical testing. Allele origin: germline. Observed: 2 variant alleles, 2 heterozygotes.

PreventionGenetics, part of Exact Sciences
Classification: Likely benign for SLC10A1-related condition. Last evaluated: 2023-07-03. Review status: no assertion criteria provided. Collection method: clinical testing. Allele origin: germline. Not counted in ClinVar's aggregate classification.
Comment: This variant is classified as likely benign based on ACMG/AMP sequence variant interpretation guidelines (Richards et al. 2015 PMID: 25741868, with internal and published modifications).

NM_003049.4(SLC10A1):c.936T>G (p.Thr312=)

Gene: SLC10A1 (solute carrier family 10 member 1; minus strand). Cytogenetic location: 14q24.1.
Variant type: single nucleotide variant.
Coding change: c.936T>G on transcript NM_003049.4 (MANE Select); coding-DNA position 936, T replaced by G.
Protein change: p.Thr312=; no amino-acid change (threonine 312 retained).
Molecular consequence: synonymous variant.
Genome position (GRCh38, 1-based): chr14:69,778,340, A>C on the plus strand (T>G on the coding strand, the complement: SLC10A1 is on the minus strand). VCF-style: chr14-69778340-A-C. GRCh37 (hg19) VCF-style: chr14-70245057-A-C.
Other names: c.936T>G (NM_003049.3).
Identifiers: ClinVar variation 597939 (VCV000597939.7), dbSNP rs201142538, ClinGen allele CA7245920.